The following is an entry in ClinVar:

ClinVar aggregate classification (germline): Uncertain significance (1 of 4 stars; one submission).

Submission:

Laboratory for Molecular Medicine, Mass General Brigham Personalized Medicine
Classification: Uncertain significance. Last evaluated: 2015-04-09. Review status: criteria provided, single submitter. Criteria: LMM Criteria. Collection method: clinical testing. Allele origin: germline. Observed: 1 variant allele.
Comment: The p.Leu166Arg variant in JPH2 has not been previously reported in individuals with cardiomyopathy. Data from large population studies is insufficient to asses s the frequency of this variant. Computational prediction tools and conservation analysis suggest that this variant may impact the protein, though this informat ion is not predictive enough to determine pathogenicity. In summary, the clinica l significance of the p.Leu166Arg variant is uncertain.

NM_020433.5(JPH2):c.497T>G (p.Leu166Arg)

Gene: JPH2 (junctophilin 2; minus strand). Cytogenetic location: 20q13.12.
Variant type: single nucleotide variant.
Coding change: c.497T>G on transcript NM_020433.5 (MANE Select); coding-DNA position 497, T replaced by G.
Protein change: p.Leu166Arg; replaces leucine 166 with arginine.
Molecular consequence: missense variant.
Genome position (GRCh38, 1-based): chr20:44,160,290, A>C on the plus strand (T>G on the coding strand, the complement: JPH2 is on the minus strand). VCF-style: chr20-44160290-A-C. GRCh37 (hg19) VCF-style: chr20-42788930-A-C.
Other names: short protein forms L166R.
Identifiers: ClinVar variation 228754 (VCV000228754.4), dbSNP rs876657835, ClinGen allele CA10577122.